The following is an entry in ClinVar:

ClinVar aggregate classification (germline): Uncertain significance (1 of 4 stars; one submission).

Submission:

Labcorp Genetics (formerly Invitae), Labcorp
Classification: Uncertain significance. Last evaluated: 2022-12-18. Review status: criteria provided, single submitter. Criteria: Invitae Variant Classification Sherloc (09022015). Collection method: clinical testing. Allele origin: germline.
Comment: In summary, the available evidence is currently insufficient to determine the role of this variant in disease. Therefore, it has been classified as a Variant of Uncertain Significance. Advanced modeling of protein sequence and biophysical properties (such as structural, functional, and spatial information, amino acid conservation, physicochemical variation, residue mobility, and thermodynamic stability) performed at Invitae indicates that this missense variant is not expected to disrupt SAMD9 protein function. This variant has not been reported in the literature in individuals affected with SAMD9-related conditions. This variant is not present in population databases (gnomAD no frequency). This sequence change replaces tyrosine, which is neutral and polar, with asparagine, which is neutral and polar, at codon 1540 of the SAMD9 protein (p.Tyr1540Asn).

NM_017654.4(SAMD9):c.4618T>A (p.Tyr1540Asn)

Gene: SAMD9 (sterile alpha motif domain containing 9; minus strand). Cytogenetic location: 7q21.2.
Variant type: single nucleotide variant.
Coding change: c.4618T>A on transcript NM_017654.4 (MANE Select); coding-DNA position 4618, T replaced by A.
Protein change: p.Tyr1540Asn; replaces tyrosine 1540 with asparagine.
Molecular consequence: missense variant.
Genome position (GRCh38, 1-based): chr7:93,101,480, A>T on the plus strand (T>A on the coding strand, the complement: SAMD9 is on the minus strand). VCF-style: chr7-93101480-A-T. GRCh37 (hg19) VCF-style: chr7-92730793-A-T.
Other names: c.4618T>A, p.Tyr1540Asn (NM_001193307.2); short protein forms Y1540N.
Identifiers: ClinVar variation 2821918 (VCV002821918.3), dbSNP rs554366252, ClinGen allele CA368177066.